The following is an entry in ClinVar:

ClinVar aggregate classification (germline): Uncertain significance. Review status: criteria provided, multiple submitters, no conflicts (2 of 4 stars). 2 submissions from 2 submitters: Uncertain significance (2). Last evaluated 2025-02-05.

Conditions:
Inborn genetic diseases. Identifiers: MedGen C0950123, MeSH D030342.

Allele frequency attached by ClinVar (database versions not stated): gnomAD exomes below 0.00001; TOPMed below 0.00001.
gnomAD v4.1: 2 of 1,613,876 alleles (0.00012%); highest among the groups gnomAD compares: Admixed American, 0.0033%; no homozygotes.

Submissions (2):

Ambry Genetics
Classification: Uncertain significance for Inborn genetic diseases. Last evaluated: 2025-02-05. Review status: criteria provided, single submitter. Criteria: Ambry Variant Classification Scheme 2023. Collection method: clinical testing. Allele origin: germline.

GeneDx
Classification: Uncertain significance. Last evaluated: 2019-09-17. Review status: criteria provided, single submitter. Criteria: GeneDx Variant Classification Process June 2021. Collection method: clinical testing. Allele origin: germline. Affected: yes.
Comment: Not observed in large population cohorts (Lek et al., 2016); In silico analysis, which includes protein predictors and evolutionary conservation, supports that this variant does not alter protein structure/function; Has not been previously published as pathogenic or benign to our knowledge

NM_001375405.1(CEP120):c.246G>C (p.Leu82Phe)

Gene: CEP120 (centrosomal protein 120; minus strand). Cytogenetic location: 5q23.2.
Variant type: single nucleotide variant.
Coding change: c.246G>C on transcript NM_001375405.1 (MANE Select); coding-DNA position 246, G replaced by C.
Protein change: p.Leu82Phe; replaces leucine 82 with phenylalanine.
Molecular consequence: missense variant. On other transcripts: 5 prime UTR variant (2), non-coding transcript variant (1).
Genome position (GRCh38, 1-based): chr5:123,416,085, C>G on the plus strand (G>C on the coding strand, the complement: CEP120 is on the minus strand). VCF-style: chr5-123416085-C-G. GRCh37 (hg19) VCF-style: chr5-122751779-C-G.
Other names: c.168G>C, p.Leu56Phe (NM_001166226.2); c.246G>C, p.Leu82Phe (NM_001375406.1, NM_001375407.1, NM_153223.4); c.-503G>C (NM_001375408.1); c.-445G>C (NM_001375409.1); short protein forms L56F, L82F.
Identifiers: ClinVar variation 1312299 (VCV001312299.3), dbSNP rs1774365850, ClinGen allele CA360896341.